The following is an entry in ClinVar:

NM_001288705.3(CSF1R):c.2567A>C (p.Tyr856Ser)

Gene: CSF1R (colony stimulating factor 1 receptor; minus strand). Cytogenetic location: 5q32.
Variant type: single nucleotide variant.
Coding change: c.2567A>C on transcript NM_001288705.3 (MANE Select); coding-DNA position 2567, A replaced by C.
Protein change: p.Tyr856Ser; replaces tyrosine 856 with serine.
Molecular consequence: missense variant. On other transcripts: non-coding transcript variant (2).
Genome position (GRCh38, 1-based): chr5:150,055,324, T>G on the plus strand (A>C on the coding strand, the complement: CSF1R is on the minus strand). VCF-style: chr5-150055324-T-G. GRCh37 (hg19) VCF-style: chr5-149434887-T-G.
Other names: c.2567A>C, p.Tyr856Ser (NM_001349736.2, NM_001375320.1, NM_005211.4); c.2123A>C, p.Tyr708Ser (NM_001375321.1); short protein forms Y708S, Y856S.
Identifiers: ClinVar variation 1307945 (VCV001307945.2), dbSNP rs868627491, ClinGen allele CA129102023.

ClinVar aggregate classification (germline): Uncertain significance (1 of 4 stars; one submission).

Submission:

GeneDx
Classification: Uncertain significance. Last evaluated: 2019-08-20. Review status: criteria provided, single submitter. Criteria: GeneDx Variant Classification Process June 2021. Collection method: clinical testing. Allele origin: germline. Affected: yes.
Comment: Not observed in large population cohorts (Lek et al., 2016); In silico analysis, which includes protein predictors and evolutionary conservation, supports a deleterious effect; Has not been previously published as pathogenic or benign to our knowledge; A different missense change at this residue (Y856H) has been reported in the Human Gene Mutation Database (Stenson et al., 2014)